The following is an entry in ClinVar:

ClinVar aggregate classification (germline): Uncertain significance. Review status: criteria provided, multiple submitters, no conflicts (2 of 4 stars). 3 submissions from 3 submitters: Uncertain significance (3). Last evaluated 2025-08-05.

Conditions:
Charcot-Marie-Tooth disease type 2R. Also called: CHARCOT-MARIE-TOOTH NEUROPATHY, TYPE 2R; CHARCOT-MARIE-TOOTH DISEASE, AXONAL, AUTOSOMAL RECESSIVE, TYPE 2R; Charcot-Marie-Tooth disease, axonal, type 2R. Identifiers: Orphanet 397968, MedGen C3809655, MONDO:0014208, OMIM 615490.

Allele frequency attached by ClinVar (database versions not stated): gnomAD exomes 0.00001 and 0.00003; ExAC 0.00002; gnomAD 0.00003; TOPMed 0.00005.
gnomAD v4.1: 24 of 1,612,198 alleles (0.0015%); highest among the groups gnomAD compares: Admixed American, 0.0084%; no homozygotes.

Submissions (3):

Ambry Genetics
Classification: Uncertain significance. Last evaluated: 2025-08-05. Review status: criteria provided, single submitter. Criteria: Ambry Variant Classification Scheme 2023. Collection method: clinical testing. Allele origin: germline.

GeneDx
Classification: Uncertain significance. Last evaluated: 2025-05-09. Review status: criteria provided, single submitter. Criteria: GeneDx Variant Classification Process June 2021. Collection method: clinical testing. Allele origin: germline. Affected: yes.
Comment: Not observed at significant frequency in large population cohorts (gnomAD); In silico analysis supports that this missense variant has a deleterious effect on protein structure/function; Has not been previously published as pathogenic or benign to our knowledge

Labcorp Genetics (formerly Invitae), Labcorp
Classification: Uncertain significance for Charcot-Marie-Tooth disease type 2R. Last evaluated: 2022-11-24. Review status: criteria provided, single submitter. Criteria: Invitae Variant Classification Sherloc (09022015). Collection method: clinical testing. Allele origin: germline.
Comment: This sequence change replaces isoleucine, which is neutral and non-polar, with threonine, which is neutral and polar, at codon 684 of the TRIM2 protein (p.Ile684Thr). This variant is present in population databases (rs772742492, gnomAD 0.01%). This variant has not been reported in the literature in individuals affected with TRIM2-related conditions. ClinVar contains an entry for this variant (Variation ID: 1041430). Algorithms developed to predict the effect of missense changes on protein structure and function are either unavailable or do not agree on the potential impact of this missense change (SIFT: "Deleterious"; PolyPhen-2: "Probably Damaging"; Align-GVGD: "Class C0"). In summary, the available evidence is currently insufficient to determine the role of this variant in disease. Therefore, it has been classified as a Variant of Uncertain Significance.

NM_015271.5(TRIM2):c.2132T>C (p.Ile711Thr)

Gene: TRIM2 (tripartite motif containing 2; plus strand). Cytogenetic location: 4q31.3.
Variant type: single nucleotide variant.
Coding change: c.2132T>C on transcript NM_015271.5 (MANE Select); coding-DNA position 2132, T replaced by C.
Protein change: p.Ile711Thr; replaces isoleucine 711 with threonine.
Molecular consequence: missense variant.
Genome position (GRCh38, 1-based): chr4:153,328,639, T>C. VCF-style: chr4-153328639-T-C. GRCh37 (hg19) VCF-style: chr4-154249791-T-C.
Other names: c.2132T>C (NM_015271.3); c.2051T>C (NM_001130067.1); c.2051T>C, p.Ile684Thr (NM_001130067.2, NM_001375512.1, NM_001375513.1 and 4 more transcripts); c.2117T>C, p.Ile706Thr (NM_001351054.2); c.2114T>C, p.Ile705Thr (NM_001351055.2); c.2063T>C, p.Ile688Thr (NM_001351056.2); c.1676T>C, p.Ile559Thr (NM_001351057.2); c.2225T>C, p.Ile742Thr (NM_001375488.1); and 6 more; short protein forms I598T, I599T, I691T, I705T, I711T, I559T, I600T, I684T.
Identifiers: ClinVar variation 1041430 (VCV001041430.10), dbSNP rs772742492, ClinGen allele CA3108904.